The following is an entry in ClinVar:

NM_024337.4(IRX1):c.738G>A (p.Glu246=)

Gene: IRX1 (iroquois homeobox 1; plus strand). Cytogenetic location: 5p15.33.
Variant type: single nucleotide variant.
Coding change: c.738G>A on transcript NM_024337.4 (MANE Select); coding-DNA position 738, G replaced by A.
Protein change: p.Glu246=; no amino-acid change (glutamic acid 246 retained).
Molecular consequence: synonymous variant.
Genome position (GRCh38, 1-based): chr5:3,599,686, G>A. VCF-style: chr5-3599686-G-A. GRCh37 (hg19) VCF-style: chr5-3599800-G-A.
Identifiers: ClinVar variation 3033824 (VCV003033824.2), dbSNP rs141212131, ClinGen allele CA3188906.

ClinVar aggregate classification (germline): Likely benign (0 of 4 stars; one submission).

Conditions:
IRX1-related disorder. Also called: IRX1-related condition.

Allele frequency attached by ClinVar (database versions not stated): gnomAD exomes 0.00014; ExAC 0.00048; 1000 Genomes Project 0.00120; 1000 Genomes Project 30x 0.00125; gnomAD 0.00152; TOPMed 0.00175; ESP Exome Variant Server 0.00223.
gnomAD v4.1: 438 of 1,613,376 alleles (0.027%); highest among the groups gnomAD compares: African/African-American, 0.55%; 2 homozygotes.

Submission:

PreventionGenetics, part of Exact Sciences
Classification: Likely benign for IRX1-related condition. Last evaluated: 2019-03-25. Review status: no assertion criteria provided. Collection method: clinical testing. Allele origin: germline.
Comment: This variant is classified as likely benign based on ACMG/AMP sequence variant interpretation guidelines (Richards et al. 2015 PMID: 25741868, with internal and published modifications).